The following is an entry in ClinVar:

NM_032040.5(CCDC8):c.1546A>G (p.Arg516Gly)

Gene: CCDC8 (coiled-coil domain containing 8 subunit of 3M complex; minus strand). Cytogenetic location: 19q13.32.
Variant type: single nucleotide variant.
Coding change: c.1546A>G on transcript NM_032040.5 (MANE Select); coding-DNA position 1546, A replaced by G.
Protein change: p.Arg516Gly; replaces arginine 516 with glycine.
Molecular consequence: missense variant.
Genome position (GRCh38, 1-based): chr19:46,411,265, T>C on the plus strand (A>G on the coding strand, the complement: CCDC8 is on the minus strand). VCF-style: chr19-46411265-T-C. GRCh37 (hg19) VCF-style: chr19-46914522-T-C.
Other names: short protein forms R516G.
Identifiers: ClinVar variation 2991670 (VCV002991670.3), dbSNP rs751779230, ClinGen allele CA9528453.

ClinVar aggregate classification (germline): Uncertain significance (1 of 4 stars; one submission).

Allele frequency attached by ClinVar (database versions not stated): gnomAD exomes below 0.00001; TOPMed below 0.00001; ExAC 0.00001; gnomAD 0.00001.

Submission:

Labcorp Genetics (formerly Invitae), Labcorp
Classification: Uncertain significance. Last evaluated: 2023-03-17. Review status: criteria provided, single submitter. Criteria: Invitae Variant Classification Sherloc (09022015). Collection method: clinical testing. Allele origin: germline.
Comment: This sequence change replaces arginine, which is basic and polar, with glycine, which is neutral and non-polar, at codon 516 of the CCDC8 protein (p.Arg516Gly). This variant has not been reported in the literature in individuals affected with CCDC8-related conditions. This variant is present in population databases (rs751779230, gnomAD 0.0009%). Experimental studies and prediction algorithms are not available or were not evaluated, and the functional significance of this variant is currently unknown. In summary, the available evidence is currently insufficient to determine the role of this variant in disease. Therefore, it has been classified as a Variant of Uncertain Significance.